The following is an entry in ClinVar:

NM_001353694.2(TIAM1):c.3936G>A (p.Lys1312=)

Gene: TIAM1 (TIAM Rac1 associated GEF 1; minus strand). Cytogenetic location: 21q22.11.
Variant type: single nucleotide variant.
Coding change: c.3936G>A on transcript NM_001353694.2 (MANE Select); coding-DNA position 3936, G replaced by A.
Protein change: p.Lys1312=; no amino-acid change (lysine 1312 retained).
Molecular consequence: synonymous variant.
Genome position (GRCh38, 1-based): chr21:31,130,896, C>T on the plus strand (G>A on the coding strand, the complement: TIAM1 is on the minus strand). VCF-style: chr21-31130896-C-T. GRCh37 (hg19) VCF-style: chr21-32503214-C-T.
Other names: c.1035G>A, p.Lys345= (NM_001353684.2); c.960G>A, p.Lys320= (NM_001353685.2); c.3861G>A, p.Lys1287= (NM_001353686.2, NM_001353687.2); c.3936G>A, p.Lys1312= (NM_001353688.1, NM_001353689.1, NM_001353690.1 and 4 more transcripts).
Identifiers: ClinVar variation 3038669 (VCV003038669.2), dbSNP rs16987802, ClinGen allele CA9997669.
Genomic context (GRCh38, chr21:31,130,896, plus strand): 5'-GATAAGCAGATAGAGAAATAGTTTCAAACCATGGGGTAACATAAGATGTCTTACAAGTTT[C>T]TTCTTCTGTTTGGAACCATCTTTATACACAAGGACCACAGCAGTTTTGAAGACTGGAAAA-3'
Protein context (NP_001340623.1, residues 1302-1322): LVYKDGSKQK[Lys1312=]KLVGSHRLSI

ClinVar aggregate classification (germline): Benign (0 of 4 stars; one submission).

Conditions:
TIAM1-related disorder. Also called: TIAM1-related condition.

Allele frequency attached by ClinVar (database versions not stated): gnomAD exomes 0.00091; ExAC 0.00308; gnomAD 0.01008; TOPMed 0.01071; ESP Exome Variant Server 0.01084; 1000 Genomes Project 0.01278; 1000 Genomes Project 30x 0.01515.
gnomAD v4.1: 2,887 of 1,613,918 alleles (0.18%); highest among the groups gnomAD compares: African/African-American, 3.5%; 42 homozygotes.

Submission:

PreventionGenetics, part of Exact Sciences
Classification: Benign for TIAM1-related condition. Last evaluated: 2024-03-29. Review status: no assertion criteria provided. Collection method: clinical testing. Allele origin: germline.
Comment: This variant is classified as benign based on ACMG/AMP sequence variant interpretation guidelines (Richards et al. 2015 PMID: 25741868, with internal and published modifications).